The following is an entry in ClinVar:

ClinVar aggregate classification (germline): Uncertain significance (1 of 4 stars; one submission).

Conditions:
Autoimmune lymphoproliferative syndrome type 1. Also called: AUTOIMMUNE LYMPHOPROLIFERATIVE SYNDROME, TYPE I, AUTOSOMAL DOMINANT. Identifiers: Orphanet 3261, MedGen C2717884, MONDO:0011158, OMIM 601859.

Submission:

Labcorp Genetics (formerly Invitae), Labcorp
Classification: Uncertain significance for Autoimmune lymphoproliferative syndrome. Last evaluated: 2021-09-26. Review status: criteria provided, single submitter. Criteria: Invitae Variant Classification Sherloc (09022015). Collection method: clinical testing. Allele origin: germline.
Comment: In summary, the available evidence is currently insufficient to determine the role of this variant in disease. Therefore, it has been classified as a Variant of Uncertain Significance. Experimental studies and prediction algorithms are not available or were not evaluated, and the functional significance of this variant is currently unknown. This variant has not been reported in the literature in individuals affected with FASLG-related conditions. This variant is not present in population databases (ExAC no frequency). This variant, c.190_213dup, results in the insertion of 8 amino acid(s) to the FASLG protein (p.Pro64_Leu71dup), but otherwise preserves the integrity of the reading frame.

NM_000639.3(FASLG):c.190_213dup (p.Pro64_Leu71dup)

Gene: FASLG (Fas ligand; plus strand). Cytogenetic location: 1q24.3.
Variant type: Duplication.
Coding change: c.190_213dup on transcript NM_000639.3 (MANE Select); coding-DNA positions 190 to 213, 24 bases duplicated (CCTCCACTACCGCTGCCACCCCTG).
Protein change: p.Pro64_Leu71dup.
Molecular consequence: inframe insertion.
Genome position (GRCh38, 1-based): chr1:172,659,391-172,659,414, CCTCCACTACCGCTGCCACCCCTG duplicated; duplicating any 24 consecutive bases within chr1:172,659,388-172,659,414 gives the same sequence; the c. name uses the placement nearest the transcript's 3' end. VCF-style (leftmost placement, unchanged base first): chr1-172659387-A-ACTGCCTCCACTACCGCTGCCACCC. GRCh37 (hg19) VCF-style: chr1-172628527-A-ACTGCCTCCACTACCGCTGCCACCC.
Other names: c.190_213dup, p.Pro64_Leu71dup (NM_001302746.2).
Identifiers: ClinVar variation 1443736 (VCV001443736.6), dbSNP rs1165102233, ClinGen allele CA527602097.